The following is an entry in ClinVar:

NM_031407.7(HUWE1):c.5233A>G (p.Ile1745Val)

Gene: HUWE1 (HECT, UBA and WWE domain containing E3 ubiquitin protein ligase 1; minus strand). Cytogenetic location: Xp11.22.
Variant type: single nucleotide variant.
Coding change: c.5233A>G on transcript NM_031407.7 (MANE Select); coding-DNA position 5233, A replaced by G.
Protein change: p.Ile1745Val; replaces isoleucine 1745 with valine.
Molecular consequence: missense variant.
Genome position (GRCh38, 1-based): chrX:53,583,845, T>C on the plus strand (A>G on the coding strand, the complement: HUWE1 is on the minus strand). VCF-style: chrX-53583845-T-C. GRCh37 (hg19) VCF-style: chrX-53610805-T-C.
Other names: short protein forms I1745V.
Identifiers: ClinVar variation 3620677 (VCV003620677.2).

ClinVar aggregate classification (germline): Uncertain significance (1 of 4 stars; one submission).

gnomAD v4.1: 6 of 1,207,086 alleles (0.0005%); highest among the groups gnomAD compares: Admixed American, 0.011%; no homozygotes.

Submission:

Labcorp Genetics (formerly Invitae), Labcorp
Classification: Uncertain significance. Last evaluated: 2024-07-11. Review status: criteria provided, single submitter. Criteria: Invitae Variant Classification Sherloc (09022015). Collection method: clinical testing. Allele origin: germline.
Comment: This sequence change replaces isoleucine, which is neutral and non-polar, with valine, which is neutral and non-polar, at codon 1745 of the HUWE1 protein (p.Ile1745Val). This variant is present in population databases (no rsID available, gnomAD 0.008%), including at least one homozygous and/or hemizygous individual. This variant has not been reported in the literature in individuals affected with HUWE1-related conditions. Advanced modeling of protein sequence and biophysical properties (such as structural, functional, and spatial information, amino acid conservation, physicochemical variation, residue mobility, and thermodynamic stability) has been performed at Invitae for this missense variant, however the output from this modeling did not meet the statistical confidence thresholds required to predict the impact of this variant on HUWE1 protein function. In summary, the available evidence is currently insufficient to determine the role of this variant in disease. Therefore, it has been classified as a Variant of Uncertain Significance.